The following is an entry in ClinVar:

ClinVar aggregate classification (germline): Benign. Review status: criteria provided, multiple submitters, no conflicts (2 of 4 stars). 5 submissions from 5 submitters: Benign (4). 1 of the submissions does not count toward it. Last evaluated 2026-02-01.

Conditions:
Holocarboxylase synthetase deficiency. Also called: MULTIPLE CARBOXYLASE DEFICIENCY, EARLY ONSET. Identifiers: Orphanet 79242, MedGen C0268581, MONDO:0009666, OMIM 253270.

Allele frequency attached by ClinVar (database versions not stated): ExAC 0.01007; ESP Exome Variant Server 0.01876; gnomAD 0.01880 and 0.02015; 1000 Genomes Project 0.01957; 1000 Genomes Project 30x 0.02046; TOPMed 0.02132.
gnomAD v4.1: 13,765 of 1,614,062 alleles (0.85%); highest among the groups gnomAD compares: African/African-American, 5%; 151 homozygotes.

Submissions (5):

Labcorp Genetics (formerly Invitae), Labcorp
Classification: Benign for Holocarboxylase synthetase deficiency. Last evaluated: 2026-02-01. Review status: criteria provided, single submitter. Criteria: Invitae Variant Classification Sherloc (09022015). Collection method: clinical testing. Allele origin: germline.

Illumina Laboratory Services, Illumina
Classification: Benign for Holocarboxylase synthetase deficiency. Last evaluated: 2018-01-13. Review status: criteria provided, single submitter. Criteria: ICSL Variant Classification Criteria 13 December 2019. Collection method: clinical testing. Allele origin: germline.
Comment: This variant was observed in the ICSL laboratory as part of a predisposition screen in an ostensibly healthy population. It had not been previously curated by ICSL or reported in the Human Gene Mutation Database (HGMD: prior to June 1st, 2018), and was therefore a candidate for classification through an automated scoring system. Utilizing variant allele frequency, disease prevalence and penetrance estimates, and inheritance mode, an automated score was calculated to assess if this variant is too frequent to cause the disease. Based on the score and internal cut-off values, a variant classified as benign is not then subjected to further curation. The score for this variant resulted in a classification of benign for this disease.

GeneDx
Classification: Benign. Last evaluated: 2014-03-19. Review status: criteria provided, single submitter. Criteria: GeneDx Variant Classification (06012015). Collection method: clinical testing. Allele origin: germline. Affected: yes.
Comment: This variant is considered likely benign or benign based on one or more of the following criteria: it is a conservative change, it occurs at a poorly conserved position in the protein, it is predicted to be benign by multiple in silico algorithms, and/or has population frequency not consistent with disease.

Breakthrough Genomics
Classification: Benign. Review status: criteria provided, single submitter. Criteria: ACMG Guidelines, 2015. Collection method: not provided. Allele origin: germline. Inheritance: Autosomal recessive inheritance. Affected: yes.

Natera, Inc.
Classification: Benign for Holocarboxylase synthetase deficiency. Last evaluated: 2020-09-16. Review status: no assertion criteria provided. Collection method: clinical testing. Allele origin: germline. Not counted in ClinVar's aggregate classification.

NM_001352514.2(HLCS):c.2361C>T (p.Val787=)

Gene: HLCS (holocarboxylase synthetase; minus strand). Cytogenetic location: 21q22.13.
Variant type: single nucleotide variant.
Coding change: c.2361C>T on transcript NM_001352514.2 (MANE Select); coding-DNA position 2361, C replaced by T.
Protein change: p.Val787=; no amino-acid change (valine 787 retained).
Molecular consequence: synonymous variant. On other transcripts: non-coding transcript variant (2).
Genome position (GRCh38, 1-based): chr21:36,756,631, G>A on the plus strand (C>T on the coding strand, the complement: HLCS is on the minus strand). VCF-style: chr21-36756631-G-A. GRCh37 (hg19) VCF-style: chr21-38128932-G-A.
Other names: p.V640V:GTC>GTT; c.1920C>T, p.Val640= (NM_000411.8, NM_001242784.3, NM_001242785.2 and 4 more transcripts).
Identifiers: ClinVar variation 137546 (VCV000137546.17), dbSNP rs61732507, ClinGen allele CA291172.